The following is an entry in ClinVar:

NM_001365276.2(TNXB):c.3628C>A (p.Arg1210Ser)

Gene: TNXB (tenascin XB; minus strand). Cytogenetic location: 6p21.33.
Variant type: single nucleotide variant.
Coding change: c.3628C>A on transcript NM_001365276.2 (MANE Select); coding-DNA position 3628, C replaced by A.
Protein change: p.Arg1210Ser; replaces arginine 1210 with serine.
Molecular consequence: missense variant.
Genome position (GRCh38, 1-based): chr6:32,082,144, G>T on the plus strand (C>A on the coding strand, the complement: TNXB is on the minus strand). VCF-style: chr6-32082144-G-T. GRCh37 (hg19) VCF-style: chr6-32049921-G-T.
Other names: c.3628C>A, p.Arg1210Ser (NM_019105.8); short protein forms R1210S.
Identifiers: ClinVar variation 2586119 (VCV002586119.2), dbSNP rs748330632, ClinGen allele CA363436905.

ClinVar aggregate classification (germline): Uncertain significance (1 of 4 stars; one submission).

Conditions:
Cardiovascular phenotype. Identifiers: MedGen CN230736.

gnomAD v4.1: 2 of 1,611,560 alleles (0.00012%); highest among the groups gnomAD compares: Admixed American, 0.0017%; no homozygotes.

Submission:

Ambry Genetics
Classification: Uncertain significance for Cardiovascular phenotype. Last evaluated: 2023-07-27. Review status: criteria provided, single submitter. Criteria: Ambry Variant Classification Scheme 2023. Collection method: clinical testing. Allele origin: germline.
Comment: The p.R1210S variant (also known as c.3628C>A), located in coding exon 8 of the TNXB gene, results from a C to A substitution at nucleotide position 3628. The arginine at codon 1210 is replaced by serine, an amino acid with dissimilar properties. This amino acid position is conserved. In addition, this alteration is predicted to be tolerated by in silico analysis. Since supporting evidence is limited at this time, the clinical significance of this alteration remains unclear.